The following is an entry in ClinVar:

ClinVar aggregate classification (germline): Uncertain significance (1 of 4 stars; one submission).

Submission:

Women's Health and Genetics/Laboratory Corporation of America, LabCorp
Classification: Uncertain significance. Last evaluated: 2025-04-08. Review status: criteria provided, single submitter. Criteria: LabCorp Variant Classification Summary - May 2015. Collection method: clinical testing. Allele origin: germline.
Comment: Variant summary: The variant involves the duplication of exons 2-42 in the MYH11 gene. A presumed nomenclature of c.(-18+1_-17-1)_(*8+1_*9-1)dup has been designated for the purposes of this classification. This duplication includes the entire coding sequence of the gene. As exact breakpoints are unknown, it may extend beyond the annotated region of the gene, to include other flanking genes. The variant was absent in 21694 control chromosomes. A similar copy number variant has been reported in the heterozygous (CN=3) state in the literature in individuals affected with MYH11-related conditions (example, Blanco-Verea_2023). These data indicate that the variant may be associated with disease. To our knowledge, no experimental evidence demonstrating an impact on protein function has been reported. The following publication have been ascertained in the context of this evaluation (PMID: 36454422). ClinVar contains an entry for this variant (Variation ID: 417355). Based on the evidence outlined above, the variant was classified as VUS-possibly pathogenic.

Literature cited by the submitters: PubMed 36454422.

NC_000016.9:g.(15797981_15802659)_(15932127_15950797)dup

Genes: MYH11 (myosin heavy chain 11; minus strand), NDE1 (nudE neurodevelopment protein 1; plus strand). Cytogenetic location: 16p13.11.
Variant type: Duplication.
Identifiers: ClinVar variation 3384887 (VCV003384887.2).